The following is an entry in ClinVar:

ClinVar aggregate classification (germline): Uncertain significance. Review status: criteria provided, multiple submitters, no conflicts (2 of 4 stars). 2 submissions from 2 submitters: Uncertain significance (2). Last evaluated 2024-02-27.

Conditions:
Hereditary cancer-predisposing syndrome. Also called: Neoplastic Syndromes, Hereditary; Tumor predisposition; Hereditary neoplastic syndrome; Hereditary Cancer Syndrome. Identifiers: Orphanet 140162, MedGen C0027672, MeSH D009386, MONDO:0015356.

Allele frequency attached by ClinVar (database versions not stated): gnomAD exomes 0.00001.
gnomAD v4.1: 10 of 1,613,626 alleles (0.00062%); highest among the groups gnomAD compares: Non-Finnish European, 0.00085%; no homozygotes.

Submissions (2):

Ambry Genetics
Classification: Uncertain significance for Hereditary cancer-predisposing syndrome. Last evaluated: 2024-02-27. Review status: criteria provided, single submitter. Criteria: Ambry Variant Classification Scheme 2023. Collection method: clinical testing. Allele origin: germline.
Comment: The c.-3A>G variant is located in the 5' untranslated region (5&rsquo; UTR) of the ATM gene. This variant results from an A to G substitution 3 bases upstream from the first translated codon. This nucleotide position is well conserved in available vertebrate species. Based on the available evidence, the clinical significance of this alteration remains unclear.

GeneDx
Classification: Uncertain significance. Last evaluated: 2023-05-19. Review status: criteria provided, single submitter. Criteria: GeneDx Variant Classification Process June 2021. Collection method: clinical testing. Allele origin: germline. Affected: yes.
Comment: Not observed at significant frequency in large population cohorts (gnomAD); Nucleotide substitution is not conserved across species; Has not been previously published as pathogenic or benign to our knowledge

NM_000051.4(ATM):c.-3A>G

Gene: ATM (ATM serine/threonine kinase; plus strand). Cytogenetic location: 11q22.3.
Variant type: single nucleotide variant.
Coding change: c.-3A>G on transcript NM_000051.4 (MANE Select); 3 bases upstream of the start codon, A replaced by G.
Molecular consequence: 5 prime UTR variant.
Genome position (GRCh38, 1-based): chr11:108,227,622, A>G. VCF-style: chr11-108227622-A-G. GRCh37 (hg19) VCF-style: chr11-108098349-A-G.
Other names: c.-3A>G (NM_001351834.2, NM_001351835.2, NM_001351836.2).
Identifiers: ClinVar variation 824478 (VCV000824478.5), dbSNP rs1591445631, ClinGen allele CA915947704.